The following is an entry in ClinVar:

ClinVar aggregate classification (germline): Likely pathogenic (1 of 4 stars; one submission).

Conditions:
Bethlem myopathy 1A. Also called: Bethlem Muscular Dystrophy; MYOPATHY, BENIGN CONGENITAL, WITH CONTRACTURES; Bethlem myopathy 1. Identifiers: Orphanet 610, MedGen CN029274, MONDO:0024530, OMIM 158810.

Allele frequency attached by ClinVar (database versions not stated): ExAC 0.00001; gnomAD exomes 0.00001.
gnomAD v4.1: 10 of 1,614,106 alleles (0.00062%); highest among the groups gnomAD compares: Non-Finnish European, 0.00068%; no homozygotes.

Submission:

Labcorp Genetics (formerly Invitae), Labcorp
Classification: Likely pathogenic for Bethlem myopathy 1A. Last evaluated: 2022-04-06. Review status: criteria provided, single submitter. Criteria: Invitae Variant Classification Sherloc (09022015). Collection method: clinical testing. Allele origin: germline.
Comment: Disruption of this splice site has been observed in individual(s) with autosomal recessive COL6A3-related conditions (PMID: 24314752). This variant is present in population databases (rs755754433, gnomAD 0.0009%). This sequence change affects a donor splice site in intron 34 of the COL6A3 gene. It is expected to disrupt RNA splicing. Variants that disrupt the donor or acceptor splice site typically lead to a loss of protein function (PMID: 16199547), and loss-of-function variants in COL6A3 are known to be pathogenic (PMID: 26004199). Algorithms developed to predict the effect of sequence changes on RNA splicing suggest that this variant may disrupt the consensus splice site. In summary, the currently available evidence indicates that the variant is pathogenic, but additional data are needed to prove that conclusively. Therefore, this variant has been classified as Likely Pathogenic.

Literature cited by the submitters: PubMed 24314752; PubMed 16199547; PubMed 26004199.

NM_004369.4(COL6A3):c.7162+1G>A

Gene: COL6A3 (collagen type VI alpha 3 chain; minus strand). Cytogenetic location: 2q37.3.
Variant type: single nucleotide variant.
Coding change: c.7162+1G>A on transcript NM_004369.4 (MANE Select); the canonical splice donor site of the intron after coding-DNA position 7162, G replaced by A.
Molecular consequence: splice donor variant.
Genome position (GRCh38, 1-based): chr2:237,345,057, C>T on the plus strand (G>A on the coding strand, the complement: COL6A3 is on the minus strand). VCF-style: chr2-237345057-C-T. GRCh37 (hg19) VCF-style: chr2-238253700-C-T.
Other names: c.5341+1G>A (NM_057166.5); c.6544+1G>A (NM_057167.4).
Identifiers: ClinVar variation 2203290 (VCV002203290.4), dbSNP rs755754433, ClinGen allele CA2187899.